The following is an entry in ClinVar:

NM_003627.6(SLC43A1):c.561G>A (p.Leu187=)

Gene: SLC43A1 (solute carrier family 43 member 1; minus strand). Cytogenetic location: 11q12.1.
Variant type: single nucleotide variant.
Coding change: c.561G>A on transcript NM_003627.6 (MANE Select); coding-DNA position 561, G replaced by A.
Protein change: p.Leu187=; no amino-acid change (leucine 187 retained).
Molecular consequence: synonymous variant.
Genome position (GRCh38, 1-based): chr11:57,496,162, C>T on the plus strand (G>A on the coding strand, the complement: SLC43A1 is on the minus strand). VCF-style: chr11-57496162-C-T. GRCh37 (hg19) VCF-style: chr11-57263635-C-T.
Other names: c.561G>A, p.Leu187= (NM_001198810.2).
Identifiers: ClinVar variation 4085922 (VCV004085922.8).

ClinVar aggregate classification (germline): Likely benign (1 of 4 stars; one submission).

Submission:

CeGaT Center for Human Genetics Tuebingen
Classification: Likely benign. Last evaluated: 2025-08-01. Review status: criteria provided, single submitter. Criteria: CeGaT Center For Human Genetics Tuebingen Variant Classification Criteria Version 2. Collection method: clinical testing. Allele origin: germline. Affected: yes. Observed: 1 variant allele.
Comment: SLC43A1: PM2:Supporting, BP4, BP7